The following is an entry in ClinVar:

NM_017849.4(TMEM127):c.*50C>T

Gene: TMEM127 (transmembrane protein 127; minus strand). Cytogenetic location: 2q11.2.
Variant type: single nucleotide variant.
Coding change: c.*50C>T on transcript NM_017849.4 (MANE Select); 50 bases downstream of the stop codon, C replaced by T.
Molecular consequence: 3 prime UTR variant.
Genome position (GRCh38, 1-based): chr2:96,253,758, G>A on the plus strand (C>T on the coding strand, the complement: TMEM127 is on the minus strand). VCF-style: chr2-96253758-G-A. GRCh37 (hg19) VCF-style: chr2-96919496-G-A.
Other names: c.*50C>T (NM_001193304.3).
Identifiers: ClinVar variation 337500 (VCV000337500.8), dbSNP rs72937654, ClinGen allele CA1777248.

ClinVar aggregate classification (germline): Benign/Likely benign. Review status: criteria provided, multiple submitters, no conflicts (2 of 4 stars). 2 submissions from 2 submitters: Benign (1); Likely benign (1). Last evaluated 2018-06-22.

Conditions:
Pheochromocytoma. Also called: MAX-Related Hereditary Paraganglioma-Pheochromocytoma Syndrome. Identifiers: Orphanet 29072, MedGen C0031511, MONDO:0008233, OMIM 171300, HP:0002666.

Allele frequency attached by ClinVar (database versions not stated): gnomAD exomes 0.00187; ExAC 0.00233; gnomAD 0.00667 and 0.00712; TOPMed 0.00763; ESP Exome Variant Server 0.00830; 1000 Genomes Project 0.00839; 1000 Genomes Project 30x 0.01015.
gnomAD v4.1: 2,121 of 1,569,892 alleles (0.14%); highest among the groups gnomAD compares: African/African-American, 2.4%; 24 homozygotes.

Submissions (2):

GeneDx
Classification: Likely benign. Last evaluated: 2018-06-22. Review status: criteria provided, single submitter. Criteria: GeneDx Variant Classification Process June 2021. Collection method: clinical testing. Allele origin: germline. Affected: yes.

Illumina Laboratory Services, Illumina
Classification: Benign for Pheochromocytoma. Last evaluated: 2018-01-13. Review status: criteria provided, single submitter. Criteria: ICSL Variant Classification Criteria 13 December 2019. Collection method: clinical testing. Allele origin: germline.
Comment: This variant was observed in the ICSL laboratory as part of a predisposition screen in an ostensibly healthy population. It had not been previously curated by ICSL or reported in the Human Gene Mutation Database (HGMD: prior to June 1st, 2018), and was therefore a candidate for classification through an automated scoring system. Utilizing variant allele frequency, disease prevalence and penetrance estimates, and inheritance mode, an automated score was calculated to assess if this variant is too frequent to cause the disease. Based on the score and internal cut-off values, a variant classified as benign is not then subjected to further curation. The score for this variant resulted in a classification of benign for this disease.